The following is an entry in ClinVar:

NM_012179.4(FBXO7):c.1125A>G (p.Leu375=)

Gene: FBXO7 (F-box protein 7; plus strand). Cytogenetic location: 22q12.3.
Variant type: single nucleotide variant.
Coding change: c.1125A>G on transcript NM_012179.4 (MANE Select); coding-DNA position 1125, A replaced by G.
Protein change: p.Leu375=; no amino-acid change (leucine 375 retained).
Molecular consequence: synonymous variant.
Genome position (GRCh38, 1-based): chr22:32,493,262, A>G. VCF-style: chr22-32493262-A-G. GRCh37 (hg19) VCF-style: chr22-32889249-A-G.
Other names: c.888A>G, p.Leu296= (NM_001033024.2); c.783A>G, p.Leu261= (NM_001257990.2).
Identifiers: ClinVar variation 341316 (VCV000341316.17), dbSNP rs147911892, ClinGen allele CA10201649.

ClinVar aggregate classification (germline): Benign/Likely benign. Review status: criteria provided, multiple submitters, no conflicts (2 of 4 stars). 3 submissions from 3 submitters: Benign (1); Likely benign (2). Last evaluated 2026-01-28.

Conditions:
Parkinsonian-pyramidal syndrome. Also called: PALLIDOPYRAMIDAL SYNDROME; PARKINSON DISEASE 15, AUTOSOMAL RECESSIVE EARLY-ONSET; PARKINSON DISEASE 15, AUTOSOMAL RECESSIVE. Identifiers: Orphanet 171695, MedGen C1850100, MONDO:0009830, OMIM 260300.

Allele frequency attached by ClinVar (database versions not stated): gnomAD exomes 0.00062 and 0.00151; ExAC 0.00183; 1000 Genomes Project 0.00379; 1000 Genomes Project 30x 0.00422; gnomAD 0.00616 and 0.00660; TOPMed 0.00666; ESP Exome Variant Server 0.00815.

Submissions (3):

Labcorp Genetics (formerly Invitae), Labcorp
Classification: Benign for Parkinsonian-pyramidal syndrome. Last evaluated: 2026-01-28. Review status: criteria provided, single submitter. Criteria: Invitae Variant Classification Sherloc (09022015). Collection method: clinical testing. Allele origin: germline.

GeneDx
Classification: Likely benign. Last evaluated: 2021-12-23. Review status: criteria provided, single submitter. Criteria: GeneDx Variant Classification Process June 2021. Collection method: clinical testing. Allele origin: germline. Affected: yes.
Comment: See Variant Classification Assertion Criteria.

Illumina Laboratory Services, Illumina
Classification: Likely benign for Parkinsonian-pyramidal syndrome. Last evaluated: 2018-01-12. Review status: criteria provided, single submitter. Criteria: ICSL Variant Classification Criteria 13 December 2019. Collection method: clinical testing. Allele origin: germline.
Comment: This variant was observed in the ICSL laboratory as part of a predisposition screen in an ostensibly healthy population. It had not been previously curated by ICSL or reported in the Human Gene Mutation Database (HGMD: prior to June 1st, 2018), and was therefore a candidate for classification through an automated scoring system. Utilizing variant allele frequency, disease prevalence and penetrance estimates, and inheritance mode, an automated score was calculated to assess if this variant is too frequent to cause the disease. Based on the score and internal cut-off values, a variant classified as likely benign is not then subjected to further curation. The score for this variant resulted in a classification of likely benign for this disease.